The following is an entry in ClinVar:

ClinVar aggregate classification (germline): Uncertain significance. Review status: criteria provided, multiple submitters, no conflicts (2 of 4 stars). 2 submissions from 2 submitters: Uncertain significance (2). Last evaluated 2022-03-13.

Conditions:
COG5-congenital disorder of glycosylation. Also called: CDG IIi; CONGENITAL DISORDER OF GLYCOSYLATION, TYPE IIi; COG5-CDG. Identifiers: Orphanet 263487, MedGen C3150876, MONDO:0013325, OMIM 613612.

Allele frequency attached by ClinVar (database versions not stated): ExAC 0.00002; gnomAD exomes 0.00002 and 0.00004; TOPMed 0.00003; gnomAD 0.00004.
gnomAD v4.1: 16 of 1,613,930 alleles (0.00099%); highest among the groups gnomAD compares: Admixed American, 0.027%; no homozygotes.

Submissions (2):

Labcorp Genetics (formerly Invitae), Labcorp
Classification: Uncertain significance for COG5-congenital disorder of glycosylation. Last evaluated: 2022-03-13. Review status: criteria provided, single submitter. Criteria: Invitae Variant Classification Sherloc (09022015). Collection method: clinical testing. Allele origin: germline.
Comment: In summary, the available evidence is currently insufficient to determine the role of this variant in disease. Therefore, it has been classified as a Variant of Uncertain Significance. Algorithms developed to predict the effect of missense changes on protein structure and function (SIFT, PolyPhen-2, Align-GVGD) all suggest that this variant is likely to be tolerated. ClinVar contains an entry for this variant (Variation ID: 1220416). This variant has not been reported in the literature in individuals affected with COG5-related conditions. This variant is present in population databases (rs762315475, gnomAD 0.03%). This sequence change replaces glutamine, which is neutral and polar, with arginine, which is basic and polar, at codon 479 of the COG5 protein (p.Gln479Arg).

GeneDx
Classification: Uncertain significance. Last evaluated: 2020-06-10. Review status: criteria provided, single submitter. Criteria: GeneDx Variant Classification Process June 2021. Collection method: clinical testing. Allele origin: germline. Affected: yes.
Comment: In silico analysis supports that this missense variant does not alter protein structure/function; Has not been previously published as pathogenic or benign to our knowledge

NM_006348.5(COG5):c.1343A>G (p.Gln448Arg)

Gene: COG5 (component of oligomeric golgi complex 5; minus strand). Cytogenetic location: 7q22.3.
Variant type: single nucleotide variant.
Coding change: c.1343A>G on transcript NM_006348.5 (MANE Select); coding-DNA position 1343, A replaced by G.
Protein change: p.Gln448Arg; replaces glutamine 448 with arginine.
Molecular consequence: missense variant. On other transcripts: intron variant (1).
Genome position (GRCh38, 1-based): chr7:107,283,703, T>C on the plus strand (A>G on the coding strand, the complement: COG5 is on the minus strand). VCF-style: chr7-107283703-T-C. GRCh37 (hg19) VCF-style: chr7-106924148-T-C.
Other names: c.1343A>G, p.Gln448Arg (NM_001161520.2, NM_001379512.1, NM_001379513.1 and 2 more transcripts); c.773A>G, p.Gln258Arg (NM_001379515.1); c.629A>G, p.Gln210Arg (NM_001379516.1); c.1314-2304A>G (NM_001379511.1); short protein forms Q210R, Q258R, Q448R.
Identifiers: ClinVar variation 1220416 (VCV001220416.6), dbSNP rs762315475, ClinGen allele CA4430930.
Genomic context (GRCh38, chr7:107,283,703, plus strand): 5'-AAGTTGATAGGATCGAAGAGTCGAGATAAGGATTTTGATAGATAAGCAGCCTCATAGGGT[T>C]GTAGTGAGTCTTTCAAAGCCTTTTCTGGACTGTGGAAACAAAATTTTTTAAAAACTAACT-3'
Protein context (NP_006339.4, residues 438-458): DPEKALKDSL[Gln448Arg]PYEAAYLSKS